The following is an entry in ClinVar:

ClinVar aggregate classification (germline): Pathogenic. Review status: criteria provided, multiple submitters, no conflicts (2 of 4 stars). 2 submissions from 2 submitters: Pathogenic (2). Last evaluated 2017-01-01.

Conditions:
Inborn genetic diseases. Identifiers: MedGen C0950123, MeSH D030342.
Thick vermilion border. Also called: Full lips. Identifiers: MedGen C1836543, HP:0012471.
Dolichocephaly. Identifiers: MedGen C0221358, HP:0000268.
Delayed speech and language development. Also called: Language delay. Identifiers: MedGen C0454644, HP:0000750.
Motor delay. Also called: Motor retardation; Motor Developmental Delay. Identifiers: HP:0006826, MedGen C1854301.
Hypotonia. Also called: Muscular hypotonia; poor muscle tone. Identifiers: MedGen C0026827, HP:0001252.
Global developmental delay (DD). Also called: Cognitive delay. Identifiers: MedGen C0557874, HP:0001263. Disease mechanism: loss of function.
Macrocephaly. Also called: large head; Macrocephalus. Identifiers: MedGen C2243051, HP:0000256.

Submissions (2):

Centre for Mendelian Genomics, University Medical Centre Ljubljana
Classification: Pathogenic for Delayed speech and language development; Dolichocephaly; Global developmental delay; Macrocephaly; Motor delay; Hypotonia; Thick vermilion border. Last evaluated: 2017-01-01. Review status: criteria provided, single submitter. Criteria: ACMG Guidelines, 2015. Collection method: clinical testing. Allele origin: unknown. Affected: yes.

Ambry Genetics
Classification: Pathogenic for Inborn genetic diseases. Last evaluated: 2016-11-04. Review status: criteria provided, single submitter. Criteria: Ambry Variant Classification Scheme 2023. Collection method: clinical testing. Allele origin: germline.
Comment: The p.Q508* pathogenic mutation (also known as c.1522C>T), located in coding exon 17 of the RPS6KA3 gene, results from a C to T substitution at nucleotide position 1522. This changes the amino acid from a glutamine to a stop codon within coding exon 17. This alteration is expected to result in loss of function by premature protein truncation or nonsense-mediated mRNA decay. As such, this alteration is interpreted as a disease-causing mutation.

NM_004586.3(RPS6KA3):c.1522C>T (p.Gln508Ter)

Gene: RPS6KA3 (ribosomal protein S6 kinase A3; minus strand). Cytogenetic location: Xp22.12.
Variant type: single nucleotide variant.
Coding change: c.1522C>T on transcript NM_004586.3 (MANE Select); coding-DNA position 1522, C replaced by T.
Protein change: p.Gln508Ter; replaces glutamine 508 with a stop codon.
Molecular consequence: nonsense.
Genome position (GRCh38, 1-based): chrX:20,167,669, G>A on the plus strand (C>T on the coding strand, the complement: RPS6KA3 is on the minus strand). VCF-style: chrX-20167669-G-A. GRCh37 (hg19) VCF-style: chrX-20185787-G-A.
Other names: short protein forms Q508*.
Identifiers: ClinVar variation 523475 (VCV000523475.4), dbSNP rs1555928716, ClinGen allele CA412514831.